The following is an entry in ClinVar:

ClinVar aggregate classification (germline): Likely benign. Review status: criteria provided, multiple submitters, no conflicts (2 of 4 stars). 3 submissions from 3 submitters: Likely benign (3). Last evaluated 2024-10-31.

Conditions:
Hereditary diffuse gastric adenocarcinoma (HDGC). Also called: DIFFUSE GASTRIC AND LOBULAR BREAST CANCER SYNDROME. Identifiers: Orphanet 26106, MedGen C1708349, MONDO:0007648, OMIM 137215.

Allele frequency attached by ClinVar (database versions not stated): gnomAD exomes below 0.00001; TOPMed below 0.00001; ExAC 0.00001; gnomAD 0.00001; 1000 Genomes Project 30x 0.00016; 1000 Genomes Project 0.00020.

Submissions (3):

Labcorp Genetics (formerly Invitae), Labcorp
Classification: Likely benign for Hereditary diffuse gastric adenocarcinoma. Last evaluated: 2024-10-31. Review status: criteria provided, single submitter. Criteria: Invitae Variant Classification Sherloc (09022015). Collection method: clinical testing. Allele origin: germline.

Myriad Genetics, Inc.
Classification: Likely benign for Hereditary diffuse gastric adenocarcinoma. Last evaluated: 2024-09-12. Review status: criteria provided, single submitter. Criteria: Myriad Autosomal Dominant, Autosomal Recessive and X-Linked Classification Criteria (2023). Collection method: clinical testing. Allele origin: unknown.
Comment: This variant is considered likely benign. This variant is intronic and is not expected to impact mRNA splicing.

GeneDx
Classification: Likely benign. Last evaluated: 2017-02-16. Review status: criteria provided, single submitter. Criteria: GeneDx Variant Classification (06012015). Collection method: clinical testing. Allele origin: germline. Affected: yes.
Comment: This variant is considered likely benign or benign based on one or more of the following criteria: it is a conservative change, it occurs at a poorly conserved position in the protein, it is predicted to be benign by multiple in silico algorithms, and/or has population frequency not consistent with disease.

NM_004360.5(CDH1):c.164-6C>T

Gene: CDH1 (cadherin 1; plus strand). Cytogenetic location: 16q22.1.
Variant type: single nucleotide variant.
Coding change: c.164-6C>T on transcript NM_004360.5 (MANE Select); 6 bases into the intron before coding-DNA position 164, C replaced by T.
Molecular consequence: intron variant.
Genome position (GRCh38, 1-based): chr16:68,801,664, C>T. VCF-style: chr16-68801664-C-T. GRCh37 (hg19) VCF-style: chr16-68835567-C-T.
Other names: c.-1452-6C>T (NM_001317185.2); c.-1656-6C>T (NM_001317186.2); c.164-6C>T (NM_001317184.2, LRG_301t1).
Identifiers: ClinVar variation 506483 (VCV000506483.11), dbSNP rs557313031, ClinGen allele CA8129807.